The following is an entry in ClinVar:

NM_000257.4(MYH7):c.1246A>C (p.Asn416His)

Gene: MYH7 (myosin heavy chain 7; minus strand). Cytogenetic location: 14q11.2.
Variant type: single nucleotide variant.
Coding change: c.1246A>C on transcript NM_000257.4 (MANE Select); coding-DNA position 1246, A replaced by C.
Protein change: p.Asn416His; replaces asparagine 416 with histidine.
Molecular consequence: missense variant.
Genome position (GRCh38, 1-based): chr14:23,429,240, T>G on the plus strand (A>C on the coding strand, the complement: MYH7 is on the minus strand). VCF-style: chr14-23429240-T-G. GRCh37 (hg19) VCF-style: chr14-23898449-T-G.
Other names: c.1246A>C, p.Asn416His (NM_001407004.1); short protein forms N416H.
Identifiers: ClinVar variation 2107375 (VCV002107375.4), dbSNP rs563668308, ClinGen allele CA027872.
Genomic context (GRCh38, chr14:23,429,240, plus strand): 5'-GCCAGTCTCCCTACCCTGCCCACCCATTATCATCTGAAGATGGACCCACCTGCTGGACAT[T>G]CTGCCCCTTGGTGACGTACTCATTGCCCACTTTCACCCGAGGGTGGCACAGCCCCTTGAG-3'
Protein context (NP_000248.2, residues 406-426): VGNEYVTKGQ[Asn416His]VQQVIYATGA

ClinVar aggregate classification (germline): Uncertain significance (1 of 4 stars; one submission).

Conditions:
Hypertrophic cardiomyopathy. Also called: HYPERTROPHIC MYOCARDIOPATHY. Identifiers: Orphanet 217569, MedGen C0007194, MeSH D002312, MONDO:0005045, HP:0001639.

Allele frequency attached by ClinVar (database versions not stated): gnomAD exomes below 0.00001; gnomAD 0.00001; ExAC 0.00002; 1000 Genomes Project 0.00020; 1000 Genomes Project 30x 0.00031.
gnomAD v4.1: 2 of 1,614,186 alleles (0.00012%); highest among the groups gnomAD compares: Admixed American, 0.0017%; no homozygotes.

Submission:

Labcorp Genetics (formerly Invitae), Labcorp
Classification: Uncertain significance for Hypertrophic cardiomyopathy. Last evaluated: 2022-03-21. Review status: criteria provided, single submitter. Criteria: Invitae Variant Classification Sherloc (09022015). Collection method: clinical testing. Allele origin: germline.
Comment: In summary, the available evidence is currently insufficient to determine the role of this variant in disease. Therefore, it has been classified as a Variant of Uncertain Significance. This variant is found within a region of MYH7 between codons 181 and 937 that contains the majority of the myosin head domain. Missense variants in this region have been shown to be significantly overrepresented in individuals with hypertrophic cardiomyopathy (PMID: 27532257). Algorithms developed to predict the effect of missense changes on protein structure and function are either unavailable or do not agree on the potential impact of this missense change (SIFT: "Deleterious"; PolyPhen-2: "Probably Damaging"; Align-GVGD: "Class C0"). This variant has not been reported in the literature in individuals affected with MYH7-related conditions. This variant is present in population databases (rs563668308, gnomAD 0.007%). This sequence change replaces asparagine, which is neutral and polar, with histidine, which is basic and polar, at codon 416 of the MYH7 protein (p.Asn416His).

Literature cited by the submitters: PubMed 27532257.